The following is an entry in ClinVar:

ClinVar aggregate classification (germline): Uncertain significance. Review status: criteria provided, multiple submitters, no conflicts (2 of 4 stars). 4 submissions from 4 submitters: Uncertain significance (4). Last evaluated 2024-10-02.

Conditions:
Inborn genetic diseases. Identifiers: MedGen C0950123, MeSH D030342.

Allele frequency attached by ClinVar (database versions not stated): gnomAD exomes 0.00001 and 0.00005; ExAC 0.00003; ESP Exome Variant Server 0.00015; gnomAD 0.00021 and 0.00023; TOPMed 0.00028.
gnomAD v4.1: 57 of 1,614,002 alleles (0.0035%); highest among the groups gnomAD compares: African/African-American, 0.065%; no homozygotes.

Submissions (4):

Blueprint Genetics
Classification: Uncertain significance. Last evaluated: 2024-10-02. Review status: criteria provided, single submitter. Criteria: ACMG Guidelines, 2015. Collection method: clinical testing. Allele origin: germline.

Ambry Genetics
Classification: Uncertain significance for Inborn genetic diseases. Last evaluated: 2024-08-27. Review status: criteria provided, single submitter. Criteria: Ambry Variant Classification Scheme 2023. Collection method: clinical testing. Allele origin: germline.

Labcorp Genetics (formerly Invitae), Labcorp
Classification: Uncertain significance. Last evaluated: 2022-09-27. Review status: criteria provided, single submitter. Criteria: Invitae Variant Classification Sherloc (09022015). Collection method: clinical testing. Allele origin: germline.
Comment: This sequence change replaces arginine with lysine at codon 725 of the CDH3 protein (p.Arg725Lys). The arginine residue is highly conserved and there is a small physicochemical difference between arginine and lysine. This variant is present in population databases (rs146537179, gnomAD 0.09%). This variant has not been reported in the literature in individuals affected with CDH3-related conditions. ClinVar contains an entry for this variant (Variation ID: 1039061). Algorithms developed to predict the effect of missense changes on protein structure and function are either unavailable or do not agree on the potential impact of this missense change (SIFT: "Not Available"; PolyPhen-2: "Probably Damaging"; Align-GVGD: "Not Available"). In summary, the available evidence is currently insufficient to determine the role of this variant in disease. Therefore, it has been classified as a Variant of Uncertain Significance.

GeneDx
Classification: Uncertain significance. Last evaluated: 2022-02-15. Review status: criteria provided, single submitter. Criteria: GeneDx Variant Classification Process June 2021. Collection method: clinical testing. Allele origin: germline. Affected: yes.
Comment: In silico analysis supports that this missense variant does not alter protein structure/function; Has not been previously published as pathogenic or benign to our knowledge

NM_001793.6(CDH3):c.2174G>A (p.Arg725Lys)

Gene: CDH3 (cadherin 3; plus strand). Cytogenetic location: 16q22.1.
Variant type: single nucleotide variant.
Coding change: c.2174G>A on transcript NM_001793.6 (MANE Select); coding-DNA position 2174, G replaced by A.
Protein change: p.Arg725Lys; replaces arginine 725 with lysine.
Molecular consequence: missense variant.
Genome position (GRCh38, 1-based): chr16:68,695,817, G>A. VCF-style: chr16-68695817-G-A. GRCh37 (hg19) VCF-style: chr16-68729720-G-A.
Other names: c.2174G>A, p.Arg725Lys (NM_001317195.3); c.2009G>A, p.Arg670Lys (NM_001317196.2); short protein forms R725K, R670K.
Identifiers: ClinVar variation 1039061 (VCV001039061.7), dbSNP rs146537179, ClinGen allele CA8129609.